The following is an entry in ClinVar:

ClinVar aggregate classification (germline): Benign. Review status: criteria provided, multiple submitters, no conflicts (2 of 4 stars). 3 submissions from 3 submitters: Benign (3). Last evaluated 2026-02-02.

Conditions:
Retinitis pigmentosa (RP). Identifiers: Orphanet 791, MedGen C0035334, MeSH D012174, MONDO:0019200, OMIM 268000. Inheritance: Autosomal dominant, autosomal recessive and X linked inheritance.

Allele frequency attached by ClinVar (database versions not stated): gnomAD exomes 0.00274 and 0.00737; ExAC 0.00903; TOPMed 0.03235; 1000 Genomes Project 30x 0.03498; gnomAD 0.02909 and 0.03121; ESP Exome Variant Server 0.03201; 1000 Genomes Project 0.03215.
gnomAD v4.1: 8,629 of 1,613,684 alleles (0.53%); highest among the groups gnomAD compares: African/African-American, 10%; 366 homozygotes.

Submissions (3):

Labcorp Genetics (formerly Invitae), Labcorp
Classification: Benign. Last evaluated: 2026-02-02. Review status: criteria provided, single submitter. Criteria: Invitae Variant Classification Sherloc (09022015). Collection method: clinical testing. Allele origin: germline.

Illumina Laboratory Services, Illumina
Classification: Benign for Retinitis pigmentosa. Last evaluated: 2018-01-13. Review status: criteria provided, single submitter. Criteria: ICSL Variant Classification Criteria 13 December 2019. Collection method: clinical testing. Allele origin: germline.
Comment: This variant was observed in the ICSL laboratory as part of a predisposition screen in an ostensibly healthy population. It had not been previously curated by ICSL or reported in the Human Gene Mutation Database (HGMD: prior to June 1st, 2018), and was therefore a candidate for classification through an automated scoring system. Utilizing variant allele frequency, disease prevalence and penetrance estimates, and inheritance mode, an automated score was calculated to assess if this variant is too frequent to cause the disease. Based on the score and internal cut-off values, a variant classified as benign is not then subjected to further curation. The score for this variant resulted in a classification of benign for this disease.

Breakthrough Genomics
Classification: Benign. Review status: criteria provided, single submitter. Criteria: ACMG Guidelines, 2015. Collection method: not provided. Allele origin: germline. Inheritance: Autosomal recessive inheritance. Affected: yes.

NM_001297.5(CNGB1):c.453C>T (p.Asp151=)

Gene: CNGB1 (cyclic nucleotide gated channel subunit beta 1; minus strand). Cytogenetic location: 16q21.
Variant type: single nucleotide variant.
Coding change: c.453C>T on transcript NM_001297.5 (MANE Select); coding-DNA position 453, C replaced by T.
Protein change: p.Asp151=; no amino-acid change (aspartic acid 151 retained).
Molecular consequence: synonymous variant.
Genome position (GRCh38, 1-based): chr16:57,962,570, G>A on the plus strand (C>T on the coding strand, the complement: CNGB1 is on the minus strand). VCF-style: chr16-57962570-G-A. GRCh37 (hg19) VCF-style: chr16-57996474-G-A.
Other names: c.453C>T, p.Asp151= (NM_001135639.2, NM_001286130.2).
Identifiers: ClinVar variation 320106 (VCV000320106.16), dbSNP rs16959602, ClinGen allele CA8083822.